The following is an entry in ClinVar:

ClinVar aggregate classification (germline): Uncertain significance (1 of 4 stars; one submission).

Conditions:
Noonan syndrome 9 (NS9). Identifiers: Orphanet 648, MedGen C4225282, MONDO:0014691, OMIM 616559.

Submission:

Labcorp Genetics (formerly Invitae), Labcorp
Classification: Uncertain significance for Noonan syndrome 9. Last evaluated: 2023-03-13. Review status: criteria provided, single submitter. Criteria: Invitae Variant Classification Sherloc (09022015). Collection method: clinical testing. Allele origin: germline.
Comment: In summary, the available evidence is currently insufficient to determine the role of this variant in disease. Therefore, it has been classified as a Variant of Uncertain Significance. Advanced modeling of protein sequence and biophysical properties (such as structural, functional, and spatial information, amino acid conservation, physicochemical variation, residue mobility, and thermodynamic stability) has been performed at Invitae for this missense variant, however the output from this modeling did not meet the statistical confidence thresholds required to predict the impact of this variant on SOS2 protein function. This variant has not been reported in the literature in individuals affected with SOS2-related conditions. This variant is not present in population databases (gnomAD no frequency). This sequence change replaces leucine, which is neutral and non-polar, with valine, which is neutral and non-polar, at codon 857 of the SOS2 protein (p.Leu857Val).

NM_006939.4(SOS2):c.2569C>G (p.Leu857Val)

Gene: SOS2 (SOS Ras/Rho guanine nucleotide exchange factor 2; minus strand). Cytogenetic location: 14q21.3.
Variant type: single nucleotide variant.
Coding change: c.2569C>G on transcript NM_006939.4 (MANE Select); coding-DNA position 2569, C replaced by G.
Protein change: p.Leu857Val; replaces leucine 857 with valine.
Molecular consequence: missense variant.
Genome position (GRCh38, 1-based): chr14:50,145,268, G>C on the plus strand (C>G on the coding strand, the complement: SOS2 is on the minus strand). VCF-style: chr14-50145268-G-C. GRCh37 (hg19) VCF-style: chr14-50611986-G-C.
Other names: c.2470C>G, p.Leu824Val (NM_001411020.1); short protein forms L824V, L857V.
Identifiers: ClinVar variation 2845329 (VCV002845329.3), dbSNP rs7494370, ClinGen allele CA389643094.
Genomic context (GRCh38, chr14:50,145,268, plus strand): 5'-TTACTGCACTGACTATCTCCAATACGCCATTGAAATTATTCAAATCTTGAAAAACTTGCA[G>C]AATTTCTATAATTCTACTTAGTACTGCCACCCGTTCTTCAAAATTTTCTGCTTCCACAAT-3'
Protein context (NP_008870.2, residues 847-867): VAVLSRIIEI[Leu857Val]QVFQDLNNFN